The following is an entry in ClinVar:

NM_003120.3(SPI1):c.689G>C (p.Arg230Pro)

Gene: SPI1 (Spi-1 proto-oncogene; minus strand). Cytogenetic location: 11p11.2.
Variant type: single nucleotide variant.
Coding change: c.689G>C on transcript NM_003120.3 (MANE Select); coding-DNA position 689, G replaced by C.
Protein change: p.Arg230Pro; replaces arginine 230 with proline.
Molecular consequence: missense variant.
Genome position (GRCh38, 1-based): chr11:47,355,351, C>G on the plus strand (G>C on the coding strand, the complement: SPI1 is on the minus strand). VCF-style: chr11-47355351-C-G. GRCh37 (hg19) VCF-style: chr11-47376902-C-G.
Other names: c.692G>C, p.Arg231Pro (NM_001080547.2); c.692G>C (NM_001080547.1); short protein forms R230P, R231P.
Identifiers: ClinVar variation 2672188 (VCV002672188.2), dbSNP rs765064980, ClinGen allele CA380344464.

ClinVar aggregate classification (germline): Conflicting classifications of pathogenicity. Review status: criteria provided, conflicting classifications (1 of 4 stars). 2 submissions from 2 submitters: Likely pathogenic (1); Uncertain significance (1). Last evaluated 2024-03-06.

Conditions:
Agammaglobulinemia 10, autosomal dominant (AGM10). Also called: AGAMMAGLOBULINEMIA, AUTOSOMAL DOMINANT, DUE TO SPI1 DEFECT. Identifiers: MedGen C5676900, MONDO:0030529, OMIM 619707.

Submissions (2):

GeneDx
Classification: Uncertain significance. Last evaluated: 2024-03-06. Review status: criteria provided, single submitter. Criteria: GeneDx Variant Classification Process June 2021. Collection method: clinical testing. Allele origin: germline. Affected: yes.
Comment: Not observed at significant frequency in large population cohorts (gnomAD); In silico analysis supports that this missense variant has a deleterious effect on protein structure/function; Has not been previously published as pathogenic or benign to our knowledge

Clinical Genomics Laboratory, Washington University in St. Louis
Classification: Likely pathogenic for Agammaglobulinemia 10, autosomal dominant. Last evaluated: 2023-07-26. Review status: criteria provided, single submitter. Criteria: ACMG Guidelines, 2015. Collection method: clinical testing. Allele origin: germline. Affected: yes.
Comment: The SPI1 c.689G>C (p.Arg230Pro) variant, to our knowledge, has not been reported in the medical literature and is absent from the general population (gnomAD v.2.1.1), indicating it is not a common variant. The arginine at this codon occurs in the ETS domain, responsible for DNA binding, and computational predictors indicate that the variant is damaging, evidence that correlates with impact to SPI1 function. In support of this prediction, functional studies show substitution of this arginine results in decreased immune system activation, indicating that this variant impacts protein function (Ha SD et al., PMID: 31586032). Based on available information and the ACMG/AMP guidelines for variant interpretation (Richards S et al., PMID: 25741868), this variant is classified as likely pathogenic.